The following is an entry in ClinVar:

ClinVar aggregate classification (germline): Pathogenic. Review status: reviewed by expert panel (3 of 4 stars). 10 submissions from 10 submitters: Pathogenic (1). 9 of the submissions do not count toward it. Last evaluated 2024-08-13.

Conditions:
VWF-related disorder. Also called: VWF-related condition; VWF-related disorders.
Hereditary von Willebrand disease. Identifiers: Orphanet 903, MedGen C5703318, MONDO:0019565. Inheritance: Autosomal recessive or Autosomal dominant.
von Willebrand disease type 2 (VWD2). Also called: VON WILLEBRAND DISEASE, TYPE 2A/IIE; VON WILLEBRAND DISEASE, TYPE 2CB; VON WILLEBRAND DISEASE, TYPE II; VWD, TYPE 2. Identifiers: Orphanet 166081, Orphanet 903, MedGen C1264040, MONDO:0013304, OMIM 613554.
Von Willebrand disease type 2B. Identifiers: Orphanet 166087, MedGen C1282971, MONDO:0015629.

Allele frequency attached by ClinVar (database versions not stated): gnomAD exomes below 0.00001.
gnomAD v4.1: 2 of 1,613,944 alleles (0.00012%); highest among the groups gnomAD compares: Non-Finnish European, 0.00017%; no homozygotes.

Submissions (10):

ClinGen von Willebrand Disease Variant Curation Expert Panel, ClinGen
Classification: Pathogenic for Von Willebrand disease type 2B. Last evaluated: 2024-08-13. Review status: reviewed by expert panel. Criteria: ClinGen VWD 2A B M Rules. Collection method: curation. Allele origin: germline. Inheritance: Autosomal dominant inheritance.
Comment: The NM_000552.5(VWF):c.4022G>A (p.Arg1341Gln) variant in VWF has been reported in several dozen vWD type 2B patients. At least one (P8 of PMID: 20118404) has sufficient information reported to meet the PP4_moderate criteria, including mucocutaneous bleeding, positive GOF assay, and loss of HMW multimers. An additional four have been curated for inclusion based on at least a LD-RIPA response (PMIDs: 20118404, 8292729; PS4_strong). In vitro studies have shown increased platelet binding in COS-7 cells and a VWF -/- mouse with R1306-vWF hydrodynamic expression recapitulated patient phenotypes (PS3). The Grpmax filtering allele frequency in gnomAD v4.1 is 2.800e-7 (based on 2/1179864 alleles in the European non-Finnish population), which is lower than the ClinGen VWD VCEP threshold of <0.0001 (PM2_Supporting). This variant is predicted deleterious by REVEL gives a score of 0.792, which is above the ClinGen VWD VCEP threshold of >0.644 (PP3). This variant has been observed segregating in multiple families, however insufficient phenotypic information has been reported on those individuals. In summary, this variant meets criteria to be classified as pathogenic for vWD type 2B with specified criteria PS3, PS4, PM2_supporting, PP3, and PP4_moderate.

3billion
Classification: Pathogenic for von Willebrand disease type 2. Last evaluated: 2026-01-05. Review status: criteria provided, single submitter. Criteria: ACMG Guidelines, 2015. Collection method: clinical testing. Allele origin: germline. Affected: yes. Not counted in ClinVar's aggregate classification.
Comment: The variant is observed at an extremely low frequency in the gnomAD v4.1.0 dataset (total allele frequency: <0.001%). Predicted Consequence/Location: Missense variant Functional studies provide strong evidence of the variant having a damaging effect on the gene or gene product (PMID: 20371742). In silico tool predictions suggest damaging effect of the variant on gene or gene product [REVEL: 0.79 (>=0.6, sensitivity 0.68 and specificity 0.92); 3Cnet: 0.97 (> 0.75, sensitivity 0.96 and precision 0.92)]. The same nucleotide change resulting in the same amino acid change has been previously reported as pathogenic/likely pathogenic with strong evidence (ClinVar ID: VCV000000291 /PMID: 1672694). Different missense changes at the same codon (p.Arg1341Leu, p.Arg1341Pro, p.Arg1341Trp) have been reported as pathogenic/likely pathogenic with strong evidence (ClinVar ID: VCV000100316, VCV000100317, VCV000100318 /PMID: 9723578). Therefore, this variant is classified as Pathogenic according to the recommendation of ACMG/AMP guideline.

PreventionGenetics, part of Exact Sciences
Classification: Pathogenic for VWF-related condition. Last evaluated: 2025-10-27. Review status: criteria provided, single submitter. Criteria: ACMG Guidelines, 2015. Collection method: clinical testing. Allele origin: germline. Not counted in ClinVar's aggregate classification.
Comment: The VWF c.4022G>A variant is predicted to result in the amino acid substitution p.Arg1341Gln. Using legacy nomenclature, this variant has also been referred to in the literature as p.Arg578Gln. This variant has been reported in the heterozygous state in individuals with Von Willebrand disease 2b (Patient B6 in Cooney et al. 1991. PubMed ID: 1672694; Patient 310 in Ahmad et al. 2014. PubMed ID: 24712919; Patient 28 in Supplementary Table 2 in Freitas et al. 2019. PubMed ID: 30817071; Supplemental File 3 in Sadler et al. 2021. PubMed ID: 33556167). A functional study showed that this variant led to increased platelet aggregation under conditions of sheer flow compared to wildtype (Ajzenberg et al. 2000. PubMed ID: 10845912). This variant is reported in 0.00088% of alleles in individuals of European (Non-Finnish) descent in gnomAD. Another variant impacting the same amino acid (p.Arg1341Trp) has also been documented in patients with Von Willebrand disease 2b (Casana et al. 1998. PubMed ID: 9723578). Based on this evidence, we interpret the c.4022G>A (p.Arg1341Gln) variant as pathogenic.

Mayo Clinic Laboratories, Mayo Clinic
Classification: Pathogenic. Last evaluated: 2025-08-02. Review status: criteria provided, single submitter. Criteria: ACMG Guidelines, 2015. Collection method: clinical testing. Allele origin: germline. Observed: 2 variant alleles. Not counted in ClinVar's aggregate classification.
Comment: PP1, PP3, PM1_supporting, PM5, PS3, PS4_moderate

ARUP Laboratories, Molecular Genetics and Genomics, ARUP Laboratories
Classification: Pathogenic. Last evaluated: 2024-02-29. Review status: criteria provided, single submitter. Criteria: ARUP Molecular Germline Variant Investigation Process 2024. Collection method: clinical testing. Allele origin: germline. Not counted in ClinVar's aggregate classification.
Comment: The VWF c.4022G>A; p.Arg1341Gln variant (rs61749403), also known as Arg578Gln in the mature protein nomenclature, is reported in the literature in multiple individuals and families affected with von Willebrand disease (vWD) Type 2B (Ahmad 2014, Caron 2006, Cooney 1991, Federici 2009, Freitas 2019, Goodeve 2009, Nurden 2010, Piao 1993, Sadler 2022). This variant is reported in ClinVar (Variation ID: 291). This variant is only observed on one allele in the Genome Aggregation Database (v2.1.1), indicating it is not a common polymorphism. Additionally, at least one other variant at this codon (c.4021C>T; p.Arg1341Trp) has been reported in individuals with von Willebrand disease (vWD) Type 2B and is considered pathogenic (Casana 1998, Casonato 2015, Casonato 2016, Casonato 2017, Federici 2009, Nurden 2010, Sadler 2022, Vangenechten 2019). Functional analyses of the variant protein show increased shear-induced platelet aggregation and increased ristocetin and botrocetin induced binding to platelets compared to the wild type protein (Ajzenberg 2000), and reduced protein stability and multimer formation (Federici 2009, Nurden 2010, Tischer 2014). Computational analyses predict that this variant is deleterious (REVEL: 0.792). Based on available information, this variant is considered to be pathogenic. References: Ahmad F et al. Germline de novo mutations and linkage markers vs. DNA sequencing for carrier detection in von Willebrand disease. Haemophilia. 2014 Jul;20(4):e311-7. PMID: 24712919. Ajzenberg N et al. Effect of recombinant von Willebrand factor reproducing type 2B or type 2M mutations on shear-induced platelet aggregation. Blood. 2000 Jun 15;95(12):3796-803. PMID: 10845912. Caron C et al. Measurement of von Willebrand factor binding to a recombinant fragment of glycoprotein Ibalpha in an enzyme-linked immunosorbent assay-based method: performances in patients with type 2B von Willebrand disease. Br J Haematol. 2006 Jun;133(6):655-63. PMID: 16704443. Casana P et al. Search for mutations in a segment of the exon 28 of the human von Willebrand factor gene: new mutations, R1315C and R1341W, associated with type 2M and 2B variants. Am J Hematol. 1998 Sep;59(1):57-63. PMID: 9723578. Casonato A et al. Higher and lower active circulating VWF levels: different facets of von Willebrand disease. Br J Haematol. 2015 Dec;171(5):845-53. PMID: 26456374. Casonato A et al. Diagnostic Value of Measuring Platelet Von Willebrand Factor in Von Willebrand Disease. PLoS One. 2016 Aug 17;11(8):e0161310. PMID: 27532107. Casonato A et al. Type 2B von Willebrand disease with or without large multimers: A distinction of the two sides of the disorder is long overdue. PLoS One. 2017 Jun 22;12(6):e0179566. PMID: 28640903. Cooney KA et al. The molecular defect in type IIB von Willebrand disease. Identification of four potential missense mutations within the putative GpIb binding domain. J Clin Invest. 1991 Apr;87(4):1227-33. PMID: 1672694. Federici AB et al. Clinical and molecular predictors of thrombocytopenia and risk of bleeding in patients with von Willebrand disease type 2B: a cohort study of 67 patients. Blood. 2009 Jan 15;113(3):526-34. PMID: 18805962. Freitas SDS et al. Genetic variants of VWF gene in type 2 von Willebrand disease. Haemophilia. 2019 Mar;25(2):e78-e85. PMID: 30817071. Goodeve A et al. von Willebrand Disease. 2009 Jun 4 [Updated 2017 Oct 5]. In: Adam MP, Feldman J, Mirzaa GM, et al., editors. GeneReviewsÂ® [Internet]. Seattle (WA): University of Washington, Seattle; 1993-2024. Available from an online resource Nurden P et al. Abnormal VWF modifies megakaryocytopoiesis: studies of platelets and megakaryocyte cultures from patients with von Willebrand disease type 2B. Blood. 2010 Apr 1;115(13):2649-56. PMID: 20118404. Piao YC et al. Arg578Gln mutations in the von Willebrand factor gene in three unrelated cases of type IIB von Willebrand disease. Blood Coagul Fibrinolysis. 1993 Oct;4(5):787-9. PMID: 8292729. Sadler B et al. von Willebrand factor antigen levels are associated with burden of rare nonsynonymous variants in the VWF gene. Blood. 2021 Jun 10;137(23):3277-3283. Erratum in: Blood. 2022 Sep 15;140(11):1327. PMID: 33556167. Tischer A et al. Misfolding of vWF to pathologically disordered conformations impacts the severity of von Willebrand disease. Biophys J. 2014 Sep 2;107(5):1185-1195. PMID: 25185554. Vangenechten I et al. Analysis of von Willebrand Disease in the South Moravian Population (Czech Republic): Results from the BRNO-VWD Study. Thromb Haemost. 2019 Apr;119(4):594-605. PMID: 30722078.

Laboratory of Hematology, Radboud University Medical Center
Classification: Pathogenic for von Willebrand disease type 2. Last evaluated: 2020-12-10. Review status: criteria provided, single submitter. Criteria: ACMG Guidelines, 2015. Collection method: research. Allele origin: germline. Affected: yes. Observed: 1 variant allele. Study: WIN study. Not counted in ClinVar's aggregate classification.

Angelo Bianchi Bonomi Hemophilia and Thrombosis Center, Fondazione IRCCS Ca Granda Ospedale Maggiore Policlinico
Classification: Uncertain significance for von Willebrand disease type 2. Last evaluated: 2022-04-26. Review status: no assertion criteria provided. Collection method: clinical testing. Allele origin: germline. Affected: yes. Not counted in ClinVar's aggregate classification.

OMIM
Classification: Pathogenic for VON WILLEBRAND DISEASE, TYPE 2B. Last evaluated: 2010-05-01. Review status: no assertion criteria provided. Collection method: literature only. Allele origin: germline. Not counted in ClinVar's aggregate classification.

Academic Unit of Haematology, University of Sheffield
No classification provided. Review status: no classification provided. Collection method: not provided. Allele origin: not provided. Not counted in ClinVar's aggregate classification.

GeneReviews
No classification provided. Condition: von Willebrand disorder. Review status: no classification provided. Collection method: literature only. Allele origin: germline. Not counted in ClinVar's aggregate classification.

Literature cited by the submitters: PubMed 1672694 (cited by 3 submitters); PubMed 9723578 (cited by 3billion); PubMed 20371742 (cited by 3billion); PubMed 10845912 (cited by Mayo Clinic Laboratories, Mayo Clinic); PubMed 1400429 (cited by Mayo Clinic Laboratories, Mayo Clinic); PubMed 16704443 (cited by Mayo Clinic Laboratories, Mayo Clinic); PubMed 18805962 (cited by Mayo Clinic Laboratories, Mayo Clinic); PubMed 24712919 (cited by Mayo Clinic Laboratories, Mayo Clinic); PubMed 25185554 (cited by Mayo Clinic Laboratories, Mayo Clinic); PubMed 30817071 (cited by Mayo Clinic Laboratories, Mayo Clinic); PubMed 36580664 (cited by Mayo Clinic Laboratories, Mayo Clinic); PubMed 39343102 (cited by Mayo Clinic Laboratories, Mayo Clinic); PubMed 20409624 (cited by OMIM); NCBI Bookshelf NBK7014 (cited by GeneReviews).

NM_000552.5(VWF):c.4022G>A (p.Arg1341Gln)

Gene: VWF (von Willebrand factor; minus strand). Cytogenetic location: 12p13.31.
Variant type: single nucleotide variant.
Coding change: c.4022G>A on transcript NM_000552.5 (MANE Select); coding-DNA position 4022, G replaced by A.
Protein change: p.Arg1341Gln; replaces arginine 1341 with glutamine.
Molecular consequence: missense variant.
Genome position (GRCh38, 1-based): chr12:6,019,396, C>T on the plus strand (G>A on the coding strand, the complement: VWF is on the minus strand). VCF-style: chr12-6019396-C-T. GRCh37 (hg19) VCF-style: chr12-6128562-C-T.
Other names: p.R1341Q; NM_000552.4(VWF):c.4022G>A; c.4022G>A (NM_000552.4); short protein forms R1341Q.
Identifiers: ClinVar variation 291 (VCV000000291.12), dbSNP rs61749403, ClinGen allele CA114129.
Genomic context (GRCh38, chr12:6,019,396, plus strand): 5'-AAGACCTCGCTGGTGGAGGCCACCTGGCTGCCCGCATACTTCACCTGGCTGGCAATGCGC[C>T]GCAGCTCTGACGGTCGCTTCCGGTCCTTGAGCCCGATGTAGGCGTGGGAGCCGTCGTGGT-3'
Protein context (NP_000543.3, residues 1331-1351): LKDRKRPSEL[Arg1341Gln]RIASQVKYAG